The following is an entry in ClinVar:

ClinVar aggregate classification (germline): Uncertain significance. Review status: criteria provided, multiple submitters, no conflicts (2 of 4 stars). 2 submissions from 2 submitters: Uncertain significance (2). Last evaluated 2025-10-30.

Conditions:
Immunodeficiency 39 (IMD39). Identifiers: Orphanet 574918, MedGen C4225358, MONDO:0014597, OMIM 616345.

Allele frequency attached by ClinVar (database versions not stated): gnomAD 0.00001; TOPMed 0.00001; 1000 Genomes Project 0.00020; gnomAD exomes 0.00001; ExAC 0.00004; 1000 Genomes Project 30x 0.00016.

Submissions (2):

Labcorp Genetics (formerly Invitae), Labcorp
Classification: Uncertain significance for Immunodeficiency 39. Last evaluated: 2025-10-30. Review status: criteria provided, single submitter. Criteria: Invitae Variant Classification Sherloc (09022015). Collection method: clinical testing. Allele origin: germline.
Comment: This sequence change replaces leucine, which is neutral and non-polar, with proline, which is neutral and non-polar, at codon 196 of the IRF7 protein (p.Leu196Pro). This variant is present in population databases (rs538521806, gnomAD 0.03%). This variant has not been reported in the literature in individuals affected with IRF7-related conditions. ClinVar contains an entry for this variant (Variation ID: 3110878). Invitae Evidence Modeling of protein sequence and biophysical properties (such as structural, functional, and spatial information, amino acid conservation, physicochemical variation, residue mobility, and thermodynamic stability) indicates that this missense variant is not expected to disrupt IRF7 protein function with a negative predictive value of 80%. In summary, the available evidence is currently insufficient to determine the role of this variant in disease. Therefore, it has been classified as a Variant of Uncertain Significance.

Ambry Genetics
Classification: Uncertain significance. Last evaluated: 2023-10-24. Review status: criteria provided, single submitter. Criteria: Ambry Variant Classification Scheme 2023. Collection method: clinical testing. Allele origin: germline.

NM_001572.5(IRF7):c.548T>C (p.Leu183Pro)

Gene: IRF7 (interferon regulatory factor 7; minus strand). Cytogenetic location: 11p15.5.
Variant type: single nucleotide variant.
Coding change: c.548T>C on transcript NM_001572.5 (MANE Select); coding-DNA position 548, T replaced by C.
Protein change: p.Leu183Pro; replaces leucine 183 with proline.
Molecular consequence: missense variant.
Genome position (GRCh38, 1-based): chr11:614,305, A>G on the plus strand (T>C on the coding strand, the complement: IRF7 is on the minus strand). VCF-style: chr11-614305-A-G. GRCh37 (hg19) VCF-style: chr11-614305-A-G.
Other names: c.548T>C, p.Leu183Pro (NM_004029.4); c.587T>C, p.Leu196Pro (NM_004031.4); short protein forms L183P, L196P.
Identifiers: ClinVar variation 3110878 (VCV003110878.3), dbSNP rs538521806, ClinGen allele CA5783914.
Genomic context (GRCh38, chr11:614,305, plus strand): 5'-GCCCCCCATGACGCTGTCAGCAGATGGTCTGCCAGGCAGCTCTGTTGCACTGCCTGGAGC[A>G]GGAGGTCCCCCTTGTCACCAGCTGGGGCAGGGAGGGGGCCTGGGGCTTGGAGTCCAGCAT-3'
Protein context (NP_001563.2, residues 173-193): PAPAGDKGDL[Leu183Pro]LQAVQQSCLA